The following is an entry in ClinVar:

ClinVar aggregate classification (germline): Likely benign. Review status: criteria provided, multiple submitters, no conflicts (2 of 4 stars). 3 submissions from 3 submitters: Likely benign (3). Last evaluated 2023-08-28.

Conditions:
Cardiovascular phenotype. Identifiers: MedGen CN230736.
Long QT syndrome (LQTS). Identifiers: MedGen C0023976, MeSH D008133, MONDO:0002442. Disease mechanism: loss of function. Inheritance: Various modes of inheritance.
Cardiac arrhythmia. Also called: Arrhythmia; Cardiac rhythm disease. Identifiers: MedGen C0003811, MONDO:0007263, HP:0011675.

Allele frequency attached by ClinVar (database versions not stated): gnomAD exomes below 0.00001.
gnomAD v4.1: 1 of 1,614,212 alleles (0.000062%); highest among the groups gnomAD compares: Admixed American, 0.0017%; no homozygotes.

Submissions (3):

All of Us Research Program, National Institutes of Health
Classification: Likely benign for Long QT syndrome. Last evaluated: 2023-08-28. Review status: criteria provided, single submitter. Criteria: ACMG Guidelines, 2015. Collection method: clinical testing. Allele origin: germline. Inheritance: Autosomal dominant inheritance. Observed: 1 variant allele, 1 heterozygote.
Comment: This study involves interpretation of variants in research participants for the purpose of population health screening. Participant phenotype was not available at the time of variant classification. Additional details can be found in publication PMID: 35346344, PMCID: PMC8962531

Ambry Genetics
Classification: Likely benign for Cardiovascular phenotype. Last evaluated: 2021-05-03. Review status: criteria provided, single submitter. Criteria: Ambry Variant Classification Scheme 2023. Collection method: clinical testing. Allele origin: germline.

Color Diagnostics, LLC DBA Color Health
Classification: Likely benign for Cardiac arrhythmia. Last evaluated: 2021-03-02. Review status: criteria provided, single submitter. Criteria: ACMG Guidelines, 2015. Collection method: clinical testing. Allele origin: germline.

NM_000238.4(KCNH2):c.1026C>T (p.Asp342=)

Gene: KCNH2 (potassium voltage-gated channel subfamily H member 2; minus strand). Cytogenetic location: 7q36.1.
Variant type: single nucleotide variant.
Coding change: c.1026C>T on transcript NM_000238.4 (MANE Select); coding-DNA position 1026, C replaced by T.
Protein change: p.Asp342=; no amino-acid change (aspartic acid 342 retained).
Molecular consequence: synonymous variant. On other transcripts: non-coding transcript variant (1).
Genome position (GRCh38, 1-based): chr7:150,957,393, G>A on the plus strand (C>T on the coding strand, the complement: KCNH2 is on the minus strand). VCF-style: chr7-150957393-G-A. GRCh37 (hg19) VCF-style: chr7-150654481-G-A.
Other names: c.738C>T, p.Asp246= (NM_001406753.1, NM_001406756.1); c.849C>T, p.Asp283= (NM_001406755.1); c.726C>T, p.Asp242= (NM_001406757.1); c.1026C>T, p.Asp342= (NM_172056.3).
Identifiers: ClinVar variation 1332296 (VCV001332296.8), dbSNP rs1354150388, ClinGen allele CA458646008.